The following is an entry in ClinVar:

NM_000548.5(TSC2):c.16A>G (p.Ser6Gly)

Gene: TSC2 (TSC complex subunit 2; plus strand). Cytogenetic location: 16p13.3.
Variant type: single nucleotide variant.
Coding change: c.16A>G on transcript NM_000548.5 (MANE Select); coding-DNA position 16, A replaced by G.
Protein change: p.Ser6Gly; replaces serine 6 with glycine.
Molecular consequence: missense variant. On other transcripts: 5 prime UTR variant (1), intron variant (1).
Genome position (GRCh38, 1-based): chr16:2,048,631, A>G. VCF-style: chr16-2048631-A-G. GRCh37 (hg19) VCF-style: chr16-2098632-A-G.
Other names: c.16A>G, p.Ser6Gly (NM_001077183.3, NM_001114382.3, NM_001318827.2 and 4 more transcripts); c.-211A>G (NM_001318831.2); c.49A>G, p.Ser17Gly (NM_001318832.2); c.-10+566A>G (NM_001318829.2); short protein forms S6G, S17G.
Identifiers: ClinVar variation 535932 (VCV000535932.9), dbSNP rs1555494544, ClinGen allele CA394300569.
Genomic context (GRCh38, chr16:2,048,631, plus strand): 5'-TGTTTCGTTTGCACAGAGGGGTTTTCTGGTGCGTCCTGGTCCACCATGGCCAAACCAACA[A>G]GCAAAGATTCAGGCTTGAAGGAGAAGTTTAAGATTCTGTTGGGACTGGGAACACCGAGGC-3'
Protein context (NP_000539.2, residues 1-16): MAKPT[Ser6Gly]KDSGLKEKFK

ClinVar aggregate classification (germline): Uncertain significance. Review status: criteria provided, multiple submitters, no conflicts (2 of 4 stars). 3 submissions from 3 submitters: Uncertain significance (3). Last evaluated 2025-12-09.

Conditions:
Hereditary cancer-predisposing syndrome. Also called: Neoplastic Syndromes, Hereditary; Tumor predisposition; Hereditary Cancer Syndrome; Hereditary neoplastic syndrome. Identifiers: Orphanet 140162, MedGen C0027672, MeSH D009386, MONDO:0015356.
Tuberous sclerosis 2 (TSC2). Identifiers: Orphanet 805, MedGen C1860707, MONDO:0013199, OMIM 613254.
Tuberous sclerosis syndrome (TSC). Also called: Tuberous Sclerosis Complex; Tuberous sclerosis. Identifiers: Orphanet 805, MedGen C0041341, MONDO:0001734.

Allele frequency attached by ClinVar (database versions not stated): gnomAD exomes below 0.00001.
gnomAD v4.1: 3 of 1,613,936 alleles (0.00019%); highest among the groups gnomAD compares: Non-Finnish European, 0.00025%; no homozygotes.

Submissions (3):

Labcorp Genetics (formerly Invitae), Labcorp
Classification: Uncertain significance for Tuberous sclerosis 2. Last evaluated: 2025-12-09. Review status: criteria provided, single submitter. Criteria: Invitae Variant Classification Sherloc (09022015). Collection method: clinical testing. Allele origin: germline.
Comment: This sequence change replaces serine, which is neutral and polar, with glycine, which is neutral and non-polar, at codon 6 of the TSC2 protein (p.Ser6Gly). This variant is not present in population databases (gnomAD no frequency). This variant has not been reported in the literature in individuals affected with TSC2-related conditions. ClinVar contains an entry for this variant (Variation ID: 535932). Invitae Evidence Modeling of protein sequence and biophysical properties (such as structural, functional, and spatial information, amino acid conservation, physicochemical variation, residue mobility, and thermodynamic stability) indicates that this missense variant is not expected to disrupt TSC2 protein function with a negative predictive value of 95%. RNA analysis performed to evaluate the impact of this missense change on mRNA splicing indicates it does not significantly alter splicing (internal data). In summary, the available evidence is currently insufficient to determine the role of this variant in disease. Therefore, it has been classified as a Variant of Uncertain Significance.

All of Us Research Program, National Institutes of Health
Classification: Uncertain significance for Tuberous sclerosis syndrome. Last evaluated: 2023-11-30. Review status: criteria provided, single submitter. Criteria: ACMG Guidelines, 2015. Collection method: clinical testing. Allele origin: germline. Inheritance: Autosomal dominant inheritance. Observed: 1 variant allele, 1 heterozygote.
Comment: This study involves interpretation of variants in research participants for the purpose of population health screening. Participant phenotype was not available at the time of variant classification. Additional details can be found in publication PMID: 35346344, PMCID: PMC8962531

Ambry Genetics
Classification: Uncertain significance for Hereditary cancer-predisposing syndrome. Last evaluated: 2022-12-09. Review status: criteria provided, single submitter. Criteria: Ambry Variant Classification Scheme 2023. Collection method: clinical testing. Allele origin: germline.
Comment: The p.S6G variant (also known as c.16A>G), located in coding exon 1 of the TSC2 gene, results from an A to G substitution at nucleotide position 16. The serine at codon 6 is replaced by glycine, an amino acid with similar properties. This amino acid position is well conserved in available vertebrate species. In addition, this alteration is predicted to be tolerated by in silico analysis. Since supporting evidence is limited at this time, the clinical significance of this alteration remains unclear.